The following is an entry in ClinVar:

ClinVar aggregate classification (germline): Uncertain significance (1 of 4 stars; one submission).

Conditions:
Hereditary cancer-predisposing syndrome. Also called: Neoplastic Syndromes, Hereditary; Tumor predisposition; Hereditary Cancer Syndrome; Hereditary neoplastic syndrome. Identifiers: Orphanet 140162, MedGen C0027672, MeSH D009386, MONDO:0015356.

Submission:

Ambry Genetics
Classification: Uncertain significance for Hereditary cancer-predisposing syndrome. Last evaluated: 2026-03-24. Review status: criteria provided, single submitter. Criteria: Ambry Variant Classification Scheme 2023. Collection method: clinical testing. Allele origin: germline.
Comment: The p.T2200S variant (also known as c.6599C>G), located in coding exon 15 of the APC gene, results from a C to G substitution at nucleotide position 6599. The threonine at codon 2200 is replaced by serine, an amino acid with similar properties. This amino acid position is conserved. In addition, in silico predictors for this gene do not accurately predict pathogenicity. Based on the available evidence, the clinical significance of this variant remains unclear.

NM_000038.6(APC):c.6599C>G (p.Thr2200Ser)

Gene: APC (APC regulator of Wnt signaling pathway; plus strand). Cytogenetic location: 5q22.2.
Variant type: single nucleotide variant.
Coding change: c.6599C>G on transcript NM_000038.6 (MANE Select); coding-DNA position 6599, C replaced by G.
Protein change: p.Thr2200Ser; replaces threonine 2200 with serine.
Molecular consequence: missense variant. On other transcripts: non-coding transcript variant (2).
Genome position (GRCh38, 1-based): chr5:112,842,193, C>G. VCF-style: chr5-112842193-C-G. GRCh37 (hg19) VCF-style: chr5-112177890-C-G.
Other names: c.6524C>G, p.Thr2175Ser (NM_001354898.2); c.6515C>G, p.Thr2172Ser (NM_001354899.2); c.6476C>G, p.Thr2159Ser (NM_001354900.2); c.6422C>G, p.Thr2141Ser (NM_001354901.2, NM_001407453.1); c.6326C>G, p.Thr2109Ser (NM_001354902.2); c.6296C>G, p.Thr2099Ser (NM_001354903.2, NM_001407458.1, NM_001407459.1 and 1 more transcripts); c.6221C>G, p.Thr2074Ser (NM_001354904.2); c.6119C>G, p.Thr2040Ser (NM_001354905.2); and 11 more; short protein forms T1816S, T1917S, T2040S, T2071S, T2074S, T2099S, T2109S, T2117S.
Identifiers: ClinVar variation 4860935 (VCV004860935.1).
Genomic context (GRCh38, chr5:112,842,193, plus strand): 5'-AGATAGAATCTGAAAGTAAAGGAATCAAAGGAGGAAAAAAAGTTTATAAAAGTTTGATTA[C>G]TGGAAAAGTTCGATCTAATTCAGAAATTTCAGGCCAAATGAAACAGCCCCTTCAAGCAAA-3'
Protein context (NP_000029.2, residues 2190-2210): GGKKVYKSLI[Thr2200Ser]GKVRSNSEIS